The following is an entry in ClinVar:

ClinVar aggregate classification (germline): Uncertain significance (1 of 4 stars; one submission).

Submission:

Labcorp Genetics (formerly Invitae), Labcorp
Classification: Uncertain significance. Last evaluated: 2022-07-26. Review status: criteria provided, single submitter. Criteria: Invitae Variant Classification Sherloc (09022015). Collection method: clinical testing. Allele origin: germline.
Comment: This sequence change replaces cysteine, which is neutral and slightly polar, with tyrosine, which is neutral and polar, at codon 2026 of the PCNT protein (p.Cys2026Tyr). This variant is not present in population databases (gnomAD no frequency). This variant has not been reported in the literature in individuals affected with PCNT-related conditions. ClinVar contains an entry for this variant (Variation ID: 1465505). Algorithms developed to predict the effect of missense changes on protein structure and function are either unavailable or do not agree on the potential impact of this missense change (SIFT: "Tolerated"; PolyPhen-2: "Possibly Damaging"; Align-GVGD: "Class C0"). In summary, the available evidence is currently insufficient to determine the role of this variant in disease. Therefore, it has been classified as a Variant of Uncertain Significance.

NM_006031.6(PCNT):c.6077G>A (p.Cys2026Tyr)

Gene: PCNT (pericentrin; plus strand). Cytogenetic location: 21q22.3.
Variant type: single nucleotide variant.
Coding change: c.6077G>A on transcript NM_006031.6 (MANE Select); coding-DNA position 6077, G replaced by A.
Protein change: p.Cys2026Tyr; replaces cysteine 2026 with tyrosine.
Molecular consequence: missense variant.
Genome position (GRCh38, 1-based): chr21:46,412,919, G>A. VCF-style: chr21-46412919-G-A. GRCh37 (hg19) VCF-style: chr21-47832833-G-A.
Other names: c.5723G>A, p.Cys1908Tyr (NM_001315529.2); short protein forms C1908Y, C2026Y.
Identifiers: ClinVar variation 1465505 (VCV001465505.8), dbSNP rs2147696688, ClinGen allele CA410558780.